The following is an entry in ClinVar:

NM_006642.5(SDCCAG8):c.-47T>A

Gene: SDCCAG8 (SHH signaling and ciliogenesis regulator SDCCAG8; plus strand). Cytogenetic location: 1q43.
Variant type: single nucleotide variant.
Coding change: c.-47T>A on transcript NM_006642.5 (MANE Select); 47 bases upstream of the start codon, T replaced by A.
Molecular consequence: 5 prime UTR variant.
Genome position (GRCh38, 1-based): chr1:243,256,127, T>A. VCF-style: chr1-243256127-T-A. GRCh37 (hg19) VCF-style: chr1-243419429-T-A.
Other names: c.-1159T>A (NM_001350246.2); c.-1047T>A (NM_001350247.2); c.-47T>A (NM_001350248.2); c.-354T>A (NM_001350249.2); c.-1420T>A (NM_001350251.2).
Identifiers: ClinVar variation 260005 (VCV000260005.11), dbSNP rs3904682, ClinGen allele CA1483139.

ClinVar aggregate classification (germline): Benign. Review status: criteria provided, multiple submitters, no conflicts (2 of 4 stars). 7 submissions from 5 submitters: Benign (7). Last evaluated 2021-07-15.

Conditions:
Senior-Loken syndrome 7 (SLSN7). Identifiers: Orphanet 3156, MedGen C3150877, MONDO:0013326, OMIM 613615.
Bardet-Biedl syndrome 16 (BBS16). Identifiers: Orphanet 110, MedGen C3889474, MONDO:0014444, OMIM 615993.

Allele frequency attached by ClinVar (database versions not stated): ESP Exome Variant Server 0.38405; 1000 Genomes Project 30x 0.40412; TOPMed 0.41320; gnomAD 0.41725; ExAC 0.48523; gnomAD exomes 0.50762; 1000 Genomes Project 0.41214.
gnomAD v4.1: 780,104 of 1,563,582 alleles (50%); highest among the groups gnomAD compares: East Asian, 75%; 204,273 homozygotes.

Submissions (7):

Genome-Nilou Lab
Classification: Benign for Bardet-Biedl syndrome 16. Last evaluated: 2021-07-15. Review status: criteria provided, single submitter. Criteria: ACMG Guidelines, 2015. Collection method: clinical testing. Allele origin: germline. Affected: no.

Genome-Nilou Lab
Classification: Benign for Senior-Loken syndrome 7. Last evaluated: 2021-07-15. Review status: criteria provided, single submitter. Criteria: ACMG Guidelines, 2015. Collection method: clinical testing. Allele origin: germline. Affected: no.

GeneDx
Classification: Benign. Last evaluated: 2021-05-15. Review status: criteria provided, single submitter. Criteria: GeneDx Variant Classification Process June 2021. Collection method: clinical testing. Allele origin: germline. Affected: yes.

Illumina Laboratory Services, Illumina
Classification: Benign for Senior-Loken syndrome 7. Last evaluated: 2018-01-13. Review status: criteria provided, single submitter. Criteria: ICSL Variant Classification Criteria 13 December 2019. Collection method: clinical testing. Allele origin: germline.
Comment: This variant was observed in the ICSL laboratory as part of a predisposition screen in an ostensibly healthy population. It had not been previously curated by ICSL or reported in the Human Gene Mutation Database (HGMD: prior to June 1st, 2018), and was therefore a candidate for classification through an automated scoring system. Utilizing variant allele frequency, disease prevalence and penetrance estimates, and inheritance mode, an automated score was calculated to assess if this variant is too frequent to cause the disease. Based on the score and internal cut-off values, a variant classified as benign is not then subjected to further curation. The score for this variant resulted in a classification of benign for this disease.

Illumina Laboratory Services, Illumina
Classification: Benign for Bardet-Biedl syndrome 16. Last evaluated: 2018-01-13. Review status: criteria provided, single submitter. Criteria: ICSL Variant Classification Criteria 13 December 2019. Collection method: clinical testing. Allele origin: germline.
Comment: the same text as in the submission from Illumina Laboratory Services, Illumina above.

Breakthrough Genomics
Classification: Benign. Review status: criteria provided, single submitter. Criteria: ACMG Guidelines, 2015. Collection method: not provided. Allele origin: germline. Inheritance: Autosomal recessive inheritance. Affected: yes.

PreventionGenetics, part of Exact Sciences
Classification: Benign. Review status: criteria provided, single submitter. Criteria: ACMG Guidelines, 2015. Collection method: clinical testing. Allele origin: germline.